The following is an entry in ClinVar:

NM_178857.6(RP1L1):c.4360C>T (p.Pro1454Ser)

Gene: RP1L1 (RP1 like 1). Cytogenetic location: 8p23.1.
Variant type: single nucleotide variant.
Coding change: c.4360C>T on transcript NM_178857.6 (MANE Select); coding-DNA position 4360, C replaced by T.
Protein change: p.Pro1454Ser; replaces proline 1454 with serine.
Molecular consequence: missense variant.
Genome position (GRCh38, 1-based): chr8:10,609,738, G>A on the plus strand (C>T on the coding strand, the complement: RP1L1 is on the minus strand). VCF-style: chr8-10609738-G-A. GRCh37 (hg19) VCF-style: chr8-10467248-G-A.
Other names: short protein forms P1454S.
Identifiers: ClinVar variation 1254607 (VCV001254607.7), dbSNP rs200392631, ClinGen allele CA4624059.
Genomic context (GRCh38, chr8:10,609,738, plus strand): 5'-CAAGCTGGGAGCCACTCTGCCTCTCGCTGGCACTTGGGTCCGTCTCGCTGAGATGACTAG[G>A]GGGCTCTGTGGGTTCCTCTGTGCCCTCTGCGGGGCACGGCTCTGCAGAGGCAGAGGCTCT-3'
Protein context (NP_849188.4, residues 1444-1464): AEGTEEPTEP[Pro1454Ser]SHLSETDPSA

ClinVar aggregate classification (germline): Conflicting classifications of pathogenicity. Review status: criteria provided, conflicting classifications (1 of 4 stars). 4 submissions from 4 submitters: Uncertain significance (2); Benign (1); Likely benign (1). Last evaluated 2024-11-13.

Conditions:
RP1L1-related disorder. Also called: RP1L1-related condition.
Inborn genetic diseases. Identifiers: MedGen C0950123, MeSH D030342.

Allele frequency attached by ClinVar (database versions not stated): gnomAD exomes 0.00008 and 0.00025; gnomAD 0.00118 and 0.00123; 1000 Genomes Project 30x 0.00172; ExAC 0.00031; ESP Exome Variant Server 0.00097; TOPMed 0.00113; 1000 Genomes Project 0.00180.
gnomAD v4.1: 296 of 1,613,464 alleles (0.018%); highest among the groups gnomAD compares: African/African-American, 0.36%; 1 homozygote.

Submissions (4):

Blueprint Genetics
Classification: Benign. Last evaluated: 2024-11-13. Review status: criteria provided, single submitter. Criteria: ACMG Guidelines, 2015. Collection method: clinical testing. Allele origin: germline.

PreventionGenetics, part of Exact Sciences
Classification: Likely benign for RP1L1-related condition. Last evaluated: 2024-10-31. Review status: criteria provided, single submitter. Criteria: ACMG Guidelines, 2015. Collection method: clinical testing. Allele origin: germline.
Comment: This variant is classified as likely benign based on ACMG/AMP sequence variant interpretation guidelines (Richards et al. 2015 PMID: 25741868, with internal and published modifications).

Ambry Genetics
Classification: Uncertain significance for Inborn genetic diseases. Last evaluated: 2021-10-12. Review status: criteria provided, single submitter. Criteria: Ambry Variant Classification Scheme 2023. Collection method: clinical testing. Allele origin: germline.

GeneDx
Classification: Uncertain significance. Last evaluated: 2021-08-11. Review status: criteria provided, single submitter. Criteria: GeneDx Variant Classification Process June 2021. Collection method: clinical testing. Allele origin: germline. Affected: yes.
Comment: In silico analysis supports that this missense variant does not alter protein structure/function; Has not been previously published as pathogenic or benign to our knowledge